The following is an entry in ClinVar:

NM_000051.4(ATM):c.2212G>T (p.Glu738Ter)

Gene: ATM (ATM serine/threonine kinase; plus strand). Cytogenetic location: 11q22.3.
Variant type: single nucleotide variant.
Coding change: c.2212G>T on transcript NM_000051.4 (MANE Select); coding-DNA position 2212, G replaced by T.
Protein change: p.Glu738Ter; replaces glutamic acid 738 with a stop codon.
Molecular consequence: nonsense.
Genome position (GRCh38, 1-based): chr11:108,256,302, G>T. VCF-style: chr11-108256302-G-T. GRCh37 (hg19) VCF-style: chr11-108127029-G-T.
Other names: c.2212G>T, p.Glu738Ter (NM_001351834.2); short protein forms E738*.
Identifiers: ClinVar variation 4867094 (VCV004867094.1).

ClinVar aggregate classification (germline): Pathogenic (1 of 4 stars; one submission).

Conditions:
Hereditary cancer-predisposing syndrome. Also called: Neoplastic Syndromes, Hereditary; Tumor predisposition; Hereditary Cancer Syndrome; Hereditary neoplastic syndrome. Identifiers: Orphanet 140162, MedGen C0027672, MeSH D009386, MONDO:0015356.

Submission:

Ambry Genetics
Classification: Pathogenic for Hereditary cancer-predisposing syndrome. Last evaluated: 2026-06-01. Review status: criteria provided, single submitter. Criteria: Ambry Variant Classification Scheme 2023. Collection method: clinical testing. Allele origin: germline.
Comment: The p.E738* pathogenic mutation (also known as c.2212G>T), located in coding exon 13 of the ATM gene, results from a G to T substitution at nucleotide position 2212. This changes the amino acid from a glutamic acid to a stop codon within coding exon 13. This variant is considered to be rare based on population cohorts in the Genome Aggregation Database (gnomAD). This variant is expected to result in loss of function by premature protein truncation or nonsense-mediated mRNA decay. As such, this variant is interpreted as a disease-causing mutation.